The following is an entry in ClinVar:

NM_152467.5(KLHL10):c.1302+123_1302+126del

Gene: KLHL10 (kelch like family member 10; plus strand). Cytogenetic location: 17q21.2.
Variant type: Microsatellite.
Coding change: c.1302+123_1302+126del on transcript NM_152467.5 (MANE Select); bases 123 to 126 of the intron after coding-DNA position 1302, 4 bases deleted (TCTT; older notation c.1302+123_1302+126delTCTT).
Molecular consequence: intron variant.
Genome position (GRCh38, 1-based): chr17:41,845,866-41,845,869, TCTT deleted; deleting any 4 consecutive bases within chr17:41,845,861-41,845,869 gives the same sequence; the c. name uses the placement nearest the transcript's 3' end. VCF-style (leftmost placement, unchanged base first): chr17-41845860-ATTCT-A. GRCh37 (hg19) VCF-style: chr17-40002112-ATTCT-A.
Other names: IVS3, 4-BP DEL, +121; c.1302+123_1302+126del (NM_001329595.1); c.1038+123_1038+126del (NM_001329596.2).
Identifiers: ClinVar variation 40010 (VCV000040010.23), dbSNP rs534770865, ClinGen allele CA500025627.

ClinVar aggregate classification (germline): Benign. Review status: criteria provided, single submitter (1 of 4 stars). 2 submissions from 2 submitters: Benign (1). 1 of the submissions does not count toward it. Last evaluated 2024-02-01.

Conditions:
Spermatogenic failure 11 (SPGF11). Identifiers: MedGen C3554453, MONDO:0014037, OMIM 615081.

Submissions (2):

CeGaT Center for Human Genetics Tuebingen
Classification: Benign. Last evaluated: 2024-02-01. Review status: criteria provided, single submitter. Criteria: CeGaT Center For Human Genetics Tuebingen Variant Classification Criteria Version 2. Collection method: clinical testing. Allele origin: germline. Affected: yes. Observed: 2 variant alleles.
Comment: KLHL10: PS3:Supporting, BS1, BS2

OMIM
Classification: Pathogenic for SPERMATOGENIC FAILURE 11. Last evaluated: 2006-12-01. Review status: no assertion criteria provided. Collection method: literature only. Allele origin: germline. Not counted in ClinVar's aggregate classification.

Literature cited by the submitters: PubMed 17047026 (cited by OMIM).